The following is an entry in ClinVar:

NM_019055.6(ROBO4):c.625G>T (p.Ala209Ser)

Gene: ROBO4 (roundabout guidance receptor 4; minus strand). Cytogenetic location: 11q24.2.
Variant type: single nucleotide variant.
Coding change: c.625G>T on transcript NM_019055.6 (MANE Select); coding-DNA position 625, G replaced by T.
Protein change: p.Ala209Ser; replaces alanine 209 with serine.
Molecular consequence: missense variant.
Genome position (GRCh38, 1-based): chr11:124,896,252, C>A on the plus strand (G>T on the coding strand, the complement: ROBO4 is on the minus strand). VCF-style: chr11-124896252-C-A. GRCh37 (hg19) VCF-style: chr11-124766148-C-A.
Other names: c.190G>T, p.Ala64Ser (NM_001301088.2); short protein forms A209S, A64S.
Identifiers: ClinVar variation 2642507 (VCV002642507.24), dbSNP rs2497400873, ClinGen allele CA383172690.

ClinVar aggregate classification (germline): Uncertain significance (1 of 4 stars; one submission).

Allele frequency attached by ClinVar (database versions not stated): gnomAD exomes below 0.00001.
gnomAD v4.1: 2 of 1,614,148 alleles (0.00012%); highest among the groups gnomAD compares: Non-Finnish European, 0.00017%; no homozygotes.

Submission:

CeGaT Center for Human Genetics Tuebingen
Classification: Uncertain significance. Last evaluated: 2022-07-01. Review status: criteria provided, single submitter. Criteria: CeGaT Center For Human Genetics Tuebingen Variant Classification Criteria Version 2. Collection method: clinical testing. Allele origin: germline. Affected: yes. Observed: 1 variant allele.
Comment: ROBO4: PM2